The following is an entry in ClinVar:

NM_001083961.2(WDR62):c.189G>T (p.Glu63Asp)

Gene: WDR62 (WD repeat domain 62; plus strand). Cytogenetic location: 19q13.12.
Variant type: single nucleotide variant.
Coding change: c.189G>T on transcript NM_001083961.2 (MANE Select); coding-DNA position 189, G replaced by T.
Protein change: p.Glu63Asp; replaces glutamic acid 63 with aspartic acid.
Molecular consequence: missense variant.
Genome position (GRCh38, 1-based): chr19:36,058,791, G>T. VCF-style: chr19-36058791-G-T. GRCh37 (hg19) VCF-style: chr19-36549693-G-T.
Other names: c.189G>T, p.Glu63Asp (NM_173636.5); short protein forms E63D.
Identifiers: ClinVar variation 195110 (VCV000195110.22), dbSNP rs201053854, ClinGen allele CA241392.
Genomic context (GRCh38, chr19:36,058,791, plus strand): 5'-GTGGTGCTGGCTAGGGTGGGTGCCTCTGACTTGGGCTTTTTCTTTGCAGGTGTCACTCGA[G>T]AAGGTGCTTGGCATCACAGCCCAGAACAGCAGTGGCCTAACCTGTGACCCCGGCACAGGC-3'
Protein context (NP_001077430.1, residues 53-73): EETVQNRVSL[Glu63Asp]KVLGITAQNS

ClinVar aggregate classification (germline): Conflicting classifications of pathogenicity. Review status: criteria provided, conflicting classifications (1 of 4 stars). 6 submissions from 6 submitters: Uncertain significance (4); Likely benign (2). Last evaluated 2026-06-29.

Conditions:
WDR62-related disorder. Also called: WDR62-related condition.
Microcephaly 2, primary, autosomal recessive, with or without cortical malformations. Also called: WDR62 Primary Microcephaly; MICROCEPHALY 2, PRIMARY, AUTOSOMAL RECESSIVE, WITH CORTICAL MALFORMATIONS. Identifiers: Orphanet 2512, MedGen C1858535, MONDO:0011435, OMIM 604317.

Allele frequency attached by ClinVar (database versions not stated): gnomAD 0.00016 and 0.00021; gnomAD exomes 0.00017 and 0.00066; TOPMed 0.00030; ExAC 0.00061; 1000 Genomes Project 30x 0.00078; 1000 Genomes Project 0.00080.
gnomAD v4.1: 289 of 1,614,180 alleles (0.018%); highest among the groups gnomAD compares: East Asian, 0.59%; no homozygotes.

Submissions (6):

PreventionGenetics, part of Exact Sciences
Classification: Likely benign for WDR62-related condition. Last evaluated: 2026-06-29. Review status: criteria provided, single submitter. Criteria: ACMG Guidelines, 2015. Collection method: clinical testing. Allele origin: germline.
Comment: This variant is classified as likely benign based on ACMG/AMP sequence variant interpretation guidelines (Richards et al. 2015 PMID: 25741868, with internal and published modifications).

Labcorp Genetics (formerly Invitae), Labcorp
Classification: Likely benign. Last evaluated: 2024-12-07. Review status: criteria provided, single submitter. Criteria: Invitae Variant Classification Sherloc (09022015). Collection method: clinical testing. Allele origin: germline.

GeneDx
Classification: Uncertain significance. Last evaluated: 2024-05-29. Review status: criteria provided, single submitter. Criteria: GeneDx Variant Classification Process June 2021. Collection method: clinical testing. Allele origin: germline. Affected: yes.
Comment: Observed with a variant on the opposite allele (in trans) in a patient with intellectual disability in published literature (PMID: 27852057); Identified in multiple unrelated patients with congenital heart disease in published literature; however, additional clinical information was not provided (PMID: 35808830); In silico analysis supports that this missense variant has a deleterious effect on protein structure/function; This variant is associated with the following publications: (PMID: 35808830, 27852057)

Blueprint Genetics
Classification: Uncertain significance. Last evaluated: 2023-12-11. Review status: criteria provided, single submitter. Criteria: ACMG Guidelines, 2015. Collection method: clinical testing. Allele origin: germline.

Illumina Laboratory Services, Illumina
Classification: Uncertain significance for Microcephaly 2, primary, autosomal recessive, with or without cortical malformations. Last evaluated: 2017-04-27. Review status: criteria provided, single submitter. Criteria: ICSL Variant Classification Criteria 13 December 2019. Collection method: clinical testing. Allele origin: germline.

Eurofins Ntd Llc (ga)
Classification: Uncertain significance. Last evaluated: 2014-07-03. Review status: criteria provided, single submitter. Criteria: EGL Classification Definitions 2015. Collection method: clinical testing. Allele origin: germline. Observed: 1 variant allele, 1 heterozygote.